The following is an entry in ClinVar:

ClinVar aggregate classification (germline): Pathogenic/Likely pathogenic. Review status: criteria provided, multiple submitters, no conflicts (2 of 4 stars). 2 submissions from 2 submitters: Pathogenic (1); Likely pathogenic (1). Last evaluated 2025-06-03.

Conditions:
Hyperphosphatasia with impaired intellectual development syndrome 2. Also called: GLYCOSYLPHOSPHATIDYLINOSITOL BIOSYNTHESIS DEFECT 6; Hyperphosphatasia with intellectual disability syndrome 2. Identifiers: Orphanet 247262, MedGen C3553637, MONDO:0013882, OMIM 614749.

Allele frequency attached by ClinVar (database versions not stated): ExAC 0.00001; gnomAD 0.00001; gnomAD exomes 0.00001; TOPMed 0.00003.

Submissions (2):

Dasa
Classification: Likely pathogenic for Hyperphosphatasia with impaired intellectual development syndrome 2. Last evaluated: 2025-06-03. Review status: criteria provided, single submitter. Criteria: DASA Assertion Criteria. Collection method: clinical testing. Allele origin: germline.
Comment: NM_032634.4(PIGO):c.1126C>T (p.Arg376*) is a nonsense variant in PIGO predicted to introduce a premature termination codon and is predicted to result in an absent or altered protein product. Loss of function is an established disease mechanism for PIGO-associated disorders. Also, this variant is rare in population databases. Based on the currently available evidence, this variant is classified as likely pathogenic.

Labcorp Genetics (formerly Invitae), Labcorp
Classification: Pathogenic for Hyperphosphatasia with impaired intellectual development syndrome 2. Last evaluated: 2024-05-15. Review status: criteria provided, single submitter. Criteria: Invitae Variant Classification Sherloc (09022015). Collection method: clinical testing. Allele origin: germline.
Comment: This sequence change creates a premature translational stop signal (p.Arg376*) in the PIGO gene. It is expected to result in an absent or disrupted protein product. Loss-of-function variants in PIGO are known to be pathogenic (PMID: 22683086, 24417746). This variant is present in population databases (rs776601736, gnomAD 0.004%). This variant has not been reported in the literature in individuals affected with PIGO-related conditions. ClinVar contains an entry for this variant (Variation ID: 1945917). For these reasons, this variant has been classified as Pathogenic.

Literature cited by the submitters: PubMed 22683086 (cited by Labcorp Genetics (formerly Invitae), Labcorp); PubMed 24417746 (cited by Labcorp Genetics (formerly Invitae), Labcorp).

NM_032634.4(PIGO):c.1126C>T (p.Arg376Ter)

Gene: PIGO (phosphatidylinositol glycan anchor biosynthesis class O; minus strand). Cytogenetic location: 9p13.3.
Variant type: single nucleotide variant.
Coding change: c.1126C>T on transcript NM_032634.4 (MANE Select); coding-DNA position 1126, C replaced by T.
Protein change: p.Arg376Ter; replaces arginine 376 with a stop codon.
Molecular consequence: nonsense.
Genome position (GRCh38, 1-based): chr9:35,092,761, G>A on the plus strand (C>T on the coding strand, the complement: PIGO is on the minus strand). VCF-style: chr9-35092761-G-A. GRCh37 (hg19) VCF-style: chr9-35092758-G-A.
Other names: c.1126C>T, p.Arg376Ter (NM_001201484.2, NM_152850.4); short protein forms R376*.
Identifiers: ClinVar variation 1945917 (VCV001945917.7), dbSNP rs776601736, ClinGen allele CA5040710.
Genomic context (GRCh38, chr9:35,092,761, plus strand): 5'-GCTGATGAAGCTCCTTAGCTTGAAGGTCCTGAGTAGCAGCTGAGTAGGTATGAAGAAATC[G>A]GGACACCTGGCAGAGAAAAGGTCAGAGGCCAAGGGGAACAGGTCAGAGACATAAATTGGG-3'